The following is an entry in ClinVar:

ClinVar aggregate classification (germline): Uncertain significance. Review status: criteria provided, multiple submitters, no conflicts (2 of 4 stars). 12 submissions from 8 submitters: Uncertain significance (11). 1 of the submissions does not count toward it. Last evaluated 2026-08-24.

Conditions:
CEP290-related disorder. Also called: CEP290-related disorders; CEP290-related condition. Identifiers: MedGen CN239314.
Inborn genetic diseases. Identifiers: MedGen C0950123, MeSH D030342.
Joubert syndrome. Also called: Familial aplasia of the vermis; JOUBERT-BOLTSHAUSER SYNDROME. Identifiers: Orphanet 475, MedGen C5979921, MONDO:0018772.
Meckel-Gruber syndrome. Also called: DYSENCEPHALIA SPLANCHNOCYSTICA; GRUBER SYNDROME; Dysencephalia splachnocystica. Identifiers: Orphanet 564, MedGen C0265215, MONDO:0018921.
Nephronophthisis. Also called: Juvenile Nephronophthisis. Identifiers: Orphanet 655, MedGen C0687120, MONDO:0019005, HP:0000090.
Bardet-Biedl syndrome 14 (BBS14). Identifiers: Orphanet 110, MedGen C2673874, MONDO:0014442, OMIM 615991.
Leber congenital amaurosis 10 (LCA10). Identifiers: Orphanet 65, MedGen C1857821, MONDO:0012723, OMIM 611755.
Optic atrophy. Identifiers: MedGen C0029124, MONDO:0003608, HP:0000648.
Meckel syndrome, type 4 (MKS4). Also called: MECKEL-GRUBER SYNDROME, TYPE 4. Identifiers: Orphanet 564, MedGen C1970161, MONDO:0012626, OMIM 611134.
Joubert syndrome 5 (JBTS5). Identifiers: Orphanet 2318, MedGen C1857780, MONDO:0012432, OMIM 610188.
Senior-Loken syndrome 6 (SLSN6). Identifiers: Orphanet 3156, MedGen C1857779, MONDO:0012433, OMIM 610189.

Allele frequency attached by ClinVar (database versions not stated): TOPMed 0.00002; gnomAD 0.00003; gnomAD exomes 0.00003; ExAC 0.00004.
gnomAD v4.1: 95 of 1,446,202 alleles (0.0066%); highest among the groups gnomAD compares: Non-Finnish European, 0.0081%; no homozygotes.

Submissions (12):

PreventionGenetics, part of Exact Sciences
Classification: Uncertain significance for CEP290-related condition. Last evaluated: 2026-08-24. Review status: criteria provided, single submitter. Criteria: ACMG Guidelines, 2015. Collection method: clinical testing. Allele origin: germline.
Comment: The CEP290 c.2447G>A variant is predicted to result in the amino acid substitution p.Arg816His. This variant has been reported in combination with another uncertain CEP290 variant in an individual with early onset dementia (Best et al. 2022. PubMed ID: 35764379). An alternate variant at the same amino acid position (p.Arg816Cys) has been reported in combination with other CEP290 variants in two unrelated individuals affected with CEP290-related disorders (Sallum et al. 2020. PubMed ID: 32865313; Best et al. 2022. PubMed ID: 35764379). The c.2447G>A variant is reported in 0.0058% of alleles in individuals of South Asian descent in gnomAD. This variant is consistently classified as uncertain in ClinVar (ClinVar ID: 310612). At this time, the clinical significance of this variant is uncertain due to the absence of conclusive functional and genetic evidence.

Ambry Genetics
Classification: Uncertain significance for Inborn genetic diseases. Last evaluated: 2024-12-03. Review status: criteria provided, single submitter. Criteria: Ambry Variant Classification Scheme 2023. Collection method: clinical testing. Allele origin: germline.

Blueprint Genetics
Classification: Uncertain significance. Last evaluated: 2024-04-11. Review status: criteria provided, single submitter. Criteria: ACMG Guidelines, 2015. Collection method: clinical testing. Allele origin: germline.

GeneDx
Classification: Uncertain significance. Last evaluated: 2024-01-23. Review status: criteria provided, single submitter. Criteria: GeneDx Variant Classification Process June 2021. Collection method: clinical testing. Allele origin: germline. Affected: yes.
Comment: Not observed at significant frequency in large population cohorts (gnomAD); In silico analysis supports that this missense variant does not alter protein structure/function; This variant is associated with the following publications: (PMID: 35764379)

Labcorp Genetics (formerly Invitae), Labcorp
Classification: Uncertain significance for Joubert syndrome; Meckel-Gruber syndrome; Nephronophthisis. Last evaluated: 2022-05-28. Review status: criteria provided, single submitter. Criteria: Invitae Variant Classification Sherloc (09022015). Collection method: clinical testing. Allele origin: germline.
Comment: This sequence change replaces arginine, which is basic and polar, with histidine, which is basic and polar, at codon 816 of the CEP290 protein (p.Arg816His). The frequency data for this variant in the population databases is considered unreliable, as metrics indicate poor data quality at this position in the gnomAD database. This variant has not been reported in the literature in individuals affected with CEP290-related conditions. ClinVar contains an entry for this variant (Variation ID: 310612). Algorithms developed to predict the effect of missense changes on protein structure and function are either unavailable or do not agree on the potential impact of this missense change (SIFT: "Tolerated"; PolyPhen-2: "Probably Damaging"; Align-GVGD: "Class C0"). In summary, the available evidence is currently insufficient to determine the role of this variant in disease. Therefore, it has been classified as a Variant of Uncertain Significance.

Fulgent Genetics
Classification: Uncertain significance for Joubert syndrome 5; Senior-Loken syndrome 6; Meckel syndrome, type 4; Leber congenital amaurosis 10; Bardet-Biedl syndrome 14. Last evaluated: 2021-11-09. Review status: criteria provided, single submitter. Criteria: ACMG Guidelines, 2015. Collection method: clinical testing. Allele origin: unknown.

Illumina Laboratory Services, Illumina
Classification: Uncertain significance for Leber congenital amaurosis 10. Last evaluated: 2018-01-12. Review status: criteria provided, single submitter. Criteria: ICSL Variant Classification Criteria 13 December 2019. Collection method: clinical testing. Allele origin: germline.

Illumina Laboratory Services, Illumina
Classification: Uncertain significance for Meckel syndrome, type 4. Last evaluated: 2018-01-12. Review status: criteria provided, single submitter. Criteria: ICSL Variant Classification Criteria 13 December 2019. Collection method: clinical testing. Allele origin: germline.

Illumina Laboratory Services, Illumina
Classification: Uncertain significance for Joubert syndrome 5. Last evaluated: 2018-01-12. Review status: criteria provided, single submitter. Criteria: ICSL Variant Classification Criteria 13 December 2019. Collection method: clinical testing. Allele origin: germline.

Illumina Laboratory Services, Illumina
Classification: Uncertain significance for Senior-Loken syndrome 6. Last evaluated: 2018-01-12. Review status: criteria provided, single submitter. Criteria: ICSL Variant Classification Criteria 13 December 2019. Collection method: clinical testing. Allele origin: germline.

Illumina Laboratory Services, Illumina
Classification: Uncertain significance for Bardet-Biedl syndrome 14. Last evaluated: 2018-01-12. Review status: criteria provided, single submitter. Criteria: ICSL Variant Classification Criteria 13 December 2019. Collection method: clinical testing. Allele origin: germline.

Institute of Human Genetics, Univ. Regensburg, Univ. Regensburg
Classification: Uncertain significance for Optic atrophy. Last evaluated: 2022-01-01. Review status: no assertion criteria provided. Criteria: ACMG Guidelines, 2015. Collection method: clinical testing. Allele origin: germline. Affected: yes. Not counted in ClinVar's aggregate classification.

NM_025114.4(CEP290):c.2447G>A (p.Arg816His)

Gene: CEP290 (centrosomal protein 290; minus strand). Cytogenetic location: 12q21.32.
Variant type: single nucleotide variant.
Coding change: c.2447G>A on transcript NM_025114.4 (MANE Select); coding-DNA position 2447, G replaced by A.
Protein change: p.Arg816His; replaces arginine 816 with histidine.
Molecular consequence: missense variant.
Genome position (GRCh38, 1-based): chr12:88,109,102, C>T on the plus strand (G>A on the coding strand, the complement: CEP290 is on the minus strand). VCF-style: chr12-88109102-C-T. GRCh37 (hg19) VCF-style: chr12-88502879-C-T.
Other names: short protein forms R816H.
Identifiers: ClinVar variation 310612 (VCV000310612.14), dbSNP rs768448895, ClinGen allele CA6712331.
Genomic context (GRCh38, chr12:88,109,102, plus strand): 5'-TTATAGTTTTGCTAATACCTATACCTTAGGTATTCTTTATACAACAAACTTTGTTGATGA[C>T]GAATTACAGCAAATTTTCTGTTGTAATCTTCAAGAGAATCTTCTAAATTCTTTAACTTTT-3'
Protein context (NP_079390.3, residues 806-826): EDYNRKFAVI[Arg816His]HQQSLLYKEY